The following is an entry in ClinVar:

NM_003072.5(SMARCA4):c.1245+19G>T

Gene: SMARCA4 (SWI/SNF related BAF chromatin remodeling complex subunit ATPase 4; plus strand). Cytogenetic location: 19p13.2.
Variant type: single nucleotide variant.
Coding change: c.1245+19G>T on transcript NM_003072.5 (MANE Select); 19 bases into the intron after coding-DNA position 1245, G replaced by T.
Molecular consequence: intron variant.
Genome position (GRCh38, 1-based): chr19:10,989,462, G>T. VCF-style: chr19-10989462-G-T. GRCh37 (hg19) VCF-style: chr19-11100138-G-T.
Other names: c.1245+19G>T (NM_001128844.3, NM_001128849.3, NM_001128847.4 and 5 more transcripts).
Identifiers: ClinVar variation 512283 (VCV000512283.10), dbSNP rs552713877, ClinGen allele CA658799130.
Genomic context (GRCh38, chr19:10,989,462, plus strand): 5'-ATTGAGCTCAAGGCCCTCAGGCTGCTGAACTTCCAGAGGCAGGTGGGTGCTGGCATGGCC[G>T]CAGCTTTCCGAAAAGGGCCTTTGTCACCAACACTGCTGCTAAGGCTCCAAATACGGCTTG-3'

ClinVar aggregate classification (germline): Likely benign. Review status: criteria provided, multiple submitters, no conflicts (2 of 4 stars). 2 submissions from 2 submitters: Likely benign (2). Last evaluated 2025-01-19.

Conditions:
Rhabdoid tumor predisposition syndrome 2 (RTPS2). Identifiers: Orphanet 231108, Orphanet 69077, MedGen C2750074, MONDO:0013224, OMIM 613325.

Allele frequency attached by ClinVar (database versions not stated): gnomAD 0.00001; TOPMed 0.00001.
gnomAD v4.1: 3 of 1,613,184 alleles (0.00019%); highest among the groups gnomAD compares: Non-Finnish European, 0.00025%; no homozygotes.

Submissions (2):

Labcorp Genetics (formerly Invitae), Labcorp
Classification: Likely benign for Rhabdoid tumor predisposition syndrome 2. Last evaluated: 2025-01-19. Review status: criteria provided, single submitter. Criteria: Invitae Variant Classification Sherloc (09022015). Collection method: clinical testing. Allele origin: germline.

GeneDx
Classification: Likely benign. Last evaluated: 2017-09-27. Review status: criteria provided, single submitter. Criteria: GeneDx Variant Classification (06012015). Collection method: clinical testing. Allele origin: germline. Affected: yes.
Comment: This variant is considered likely benign or benign based on one or more of the following criteria: it is a conservative change, it occurs at a poorly conserved position in the protein, it is predicted to be benign by multiple in silico algorithms, and/or has population frequency not consistent with disease.